The following is an entry in ClinVar:

ClinVar aggregate classification (germline): Benign/Likely benign. Review status: criteria provided, multiple submitters, no conflicts (2 of 4 stars). 3 submissions from 3 submitters: Benign (1); Likely benign (2). Last evaluated 2025-04-24.

Conditions:
Hereditary cancer-predisposing syndrome. Also called: Neoplastic Syndromes, Hereditary; Hereditary neoplastic syndrome; Hereditary Cancer Syndrome; Tumor predisposition. Identifiers: Orphanet 140162, MedGen C0027672, MeSH D009386, MONDO:0015356.
Tuberous sclerosis 1 (TSC1). Identifiers: Orphanet 805, MedGen C1854465, MONDO:0008612, OMIM 191100.

Allele frequency attached by ClinVar (database versions not stated): gnomAD 0.00001.

Submissions (3):

Myriad Genetics, Inc.
Classification: Benign for Tuberous sclerosis 1. Last evaluated: 2025-04-24. Review status: criteria provided, single submitter. Criteria: Myriad Autosomal Dominant, Autosomal Recessive and X-Linked Classification Criteria (2023). Collection method: clinical testing. Allele origin: unknown.
Comment: This variant is considered benign. This variant is a silent/synonymous amino acid change and it is not expected to impact splicing.

Labcorp Genetics (formerly Invitae), Labcorp
Classification: Likely benign for Tuberous sclerosis 1. Last evaluated: 2025-01-08. Review status: criteria provided, single submitter. Criteria: Invitae Variant Classification Sherloc (09022015). Collection method: clinical testing. Allele origin: germline.

Ambry Genetics
Classification: Likely benign for Hereditary cancer-predisposing syndrome. Last evaluated: 2020-11-03. Review status: criteria provided, single submitter. Criteria: Ambry Variant Classification Scheme 2023. Collection method: clinical testing. Allele origin: germline.

NM_000368.5(TSC1):c.2172C>A (p.Ile724=)

Gene: TSC1 (TSC complex subunit 1; minus strand). Cytogenetic location: 9q34.13.
Variant type: single nucleotide variant.
Coding change: c.2172C>A on transcript NM_000368.5 (MANE Select); coding-DNA position 2172, C replaced by A.
Protein change: p.Ile724=; no amino-acid change (isoleucine 724 retained).
Molecular consequence: synonymous variant.
Genome position (GRCh38, 1-based): chr9:132,903,687, G>T on the plus strand (C>A on the coding strand, the complement: TSC1 is on the minus strand). VCF-style: chr9-132903687-G-T. GRCh37 (hg19) VCF-style: chr9-135779074-G-T.
Other names: c.2169C>A, p.Ile723= (NM_001162426.2); c.2019C>A, p.Ile673= (NM_001162427.2); c.1809C>A, p.Ile603= (NM_001362177.2).
Identifiers: ClinVar variation 1105147 (VCV001105147.13), dbSNP rs1845495899, ClinGen allele CA467590675.